The following is an entry in ClinVar:

NM_022552.5(DNMT3A):c.1555-37_1555-18del

Gene: DNMT3A (DNA methyltransferase 3 alpha; minus strand). Cytogenetic location: 2p23.3.
Variant type: Deletion.
Coding change: c.1555-37_1555-18del on transcript NM_022552.5 (MANE Select); 37 bases into the intron before coding-DNA position 1555 through 18 bases into the intron before coding-DNA position 1555, 20 bases deleted (GTCCTGGTGGTTTCTGACCC).
Molecular consequence: intron variant.
Genome position (GRCh38, 1-based): chr2:25,244,670-25,244,689, GGGTCAGAAACCACCAGGAC deleted on the plus strand (GTCCTGGTGGTTTCTGACCC on the coding strand, the reverse complement: DNMT3A is on the minus strand); deleting any 20 consecutive bases within chr2:25,244,670-25,244,694 gives the same sequence; the c. name uses the placement nearest the transcript's 3' end. VCF-style (leftmost placement, unchanged base first): chr2-25244669-AGGGTCAGAAACCACCAGGAC-A. GRCh37 (hg19) VCF-style: chr2-25467538-AGGGTCAGAAACCACCAGGAC-A.
Other names: c.1555-37_1555-18del (NM_175629.2); c.988-37_988-18del (NM_153759.3); c.1099-37_1099-18del (NM_001320893.1); c.886-37_886-18del (NM_001375819.1).
Identifiers: ClinVar variation 2766521 (VCV002766521.3), dbSNP rs2465488592, ClinGen allele CA2697547837.

ClinVar aggregate classification (germline): Uncertain significance (1 of 4 stars; one submission).

Conditions:
Tatton-Brown-Rahman overgrowth syndrome. Also called: Tatton-Brown-Rahman syndrome; Tall stature-intellectual disability-facial dysmorphism syndrome. Identifiers: Orphanet 404443, MedGen C4014545, MONDO:0014382, OMIM 615879.

Submission:

Labcorp Genetics (formerly Invitae), Labcorp
Classification: Uncertain significance for Tatton-Brown-Rahman overgrowth syndrome. Last evaluated: 2023-10-06. Review status: criteria provided, single submitter. Criteria: Invitae Variant Classification Sherloc (09022015). Collection method: clinical testing. Allele origin: germline.
Comment: This sequence change falls in intron 13 of the DNMT3A gene. It does not directly change the encoded amino acid sequence of the DNMT3A protein. This variant is not present in population databases (gnomAD no frequency). This variant has not been reported in the literature in individuals affected with DNMT3A-related conditions. Experimental studies and prediction algorithms are not available or were not evaluated, and the effect of this variant on mRNA splicing is currently unknown. In summary, the available evidence is currently insufficient to determine the role of this variant in disease. Therefore, it has been classified as a Variant of Uncertain Significance.